The following is an entry in ClinVar:

NM_001242896.3(DEPDC5):c.1019T>C (p.Val340Ala)

Gene: DEPDC5 (DEP domain containing 5, GATOR1 subcomplex subunit; plus strand). Cytogenetic location: 22q12.3.
Variant type: single nucleotide variant.
Coding change: c.1019T>C on transcript NM_001242896.3 (MANE Select); coding-DNA position 1019, T replaced by C.
Protein change: p.Val340Ala; replaces valine 340 with alanine.
Molecular consequence: missense variant. On other transcripts: non-coding transcript variant (5).
Genome position (GRCh38, 1-based): chr22:31,802,776, T>C. VCF-style: chr22-31802776-T-C. GRCh37 (hg19) VCF-style: chr22-32198762-T-C.
Other names: c.1019T>C, p.Val340Ala (NM_001007188.4, NM_001136029.4, NM_001242897.2 and 7 more transcripts); c.935T>C, p.Val312Ala (NM_001369901.1, NM_001369902.1); short protein forms V312A, V340A.
Identifiers: ClinVar variation 2578921 (VCV002578921.25), dbSNP rs2518877993, ClinGen allele CA411292883.

ClinVar aggregate classification (germline): Uncertain significance (1 of 4 stars; one submission).

Submission:

CeGaT Center for Human Genetics Tuebingen
Classification: Uncertain significance. Last evaluated: 2023-07-01. Review status: criteria provided, single submitter. Criteria: CeGaT Center For Human Genetics Tuebingen Variant Classification Criteria Version 2. Collection method: clinical testing. Allele origin: germline. Affected: yes. Observed: 1 variant allele.
Comment: DEPDC5: PM2